The following is an entry in ClinVar:

ClinVar aggregate classification (germline): Likely benign. Review status: criteria provided, multiple submitters, no conflicts (2 of 4 stars). 2 submissions from 2 submitters: Likely benign (2). Last evaluated 2025-02-26.

Conditions:
Dilated cardiomyopathy 1G (CMD1G). Identifiers: Orphanet 154, MedGen C1858763, MONDO:0011400, OMIM 604145.
Autosomal recessive limb-girdle muscular dystrophy type 2J (LGMDR10). Also called: Limb-girdle muscular dystrophy, type 2J; MUSCULAR DYSTROPHY, LIMB-GIRDLE, AUTOSOMAL RECESSIVE 10. Identifiers: Orphanet 140922, MedGen C1837342, MONDO:0012127, OMIM 608807.

Allele frequency attached by ClinVar (database versions not stated): ExAC 0.00001; gnomAD 0.00001; TOPMed 0.00001.
gnomAD v4.1: 2 of 1,613,732 alleles (0.00012%); highest among the groups gnomAD compares: African/African-American, 0.0027%; no homozygotes.

Submissions (2):

Labcorp Genetics (formerly Invitae), Labcorp
Classification: Likely benign for Dilated cardiomyopathy 1G; Autosomal recessive limb-girdle muscular dystrophy type 2J. Last evaluated: 2025-02-26. Review status: criteria provided, single submitter. Criteria: Invitae Variant Classification Sherloc (09022015). Collection method: clinical testing. Allele origin: germline.

Laboratory for Molecular Medicine, Mass General Brigham Personalized Medicine
Classification: Likely benign. Last evaluated: 2014-03-06. Review status: criteria provided, single submitter. Criteria: LMM Criteria. Collection method: clinical testing. Allele origin: germline. Observed: 1 variant allele.
Comment: Asn8326Asn in exon 96 of TTN: This variant is not expected to have clinical sign ificance because it does not alter an amino acid residue and is not located with in the splice consensus sequence. Asn8326Asn in exon 96 of TTN (allele frequenc y = n/a)

NM_001267550.2(TTN):c.28710T>C (p.Asn9570=)

Gene: TTN (titin; minus strand). Cytogenetic location: 2q31.2.
Variant type: single nucleotide variant.
Coding change: c.28710T>C on transcript NM_001267550.2 (MANE Select); coding-DNA position 28710, T replaced by C.
Protein change: p.Asn9570=; no amino-acid change (asparagine 9570 retained).
Molecular consequence: synonymous variant. On other transcripts: intron variant (3).
Genome position (GRCh38, 1-based): chr2:178,709,609, A>G on the plus strand (T>C on the coding strand, the complement: TTN is on the minus strand). VCF-style: chr2-178709609-A-G. GRCh37 (hg19) VCF-style: chr2-179574336-A-G.
Other names: c.24978T>C, p.Asn8326= (NM_133378.4); c.27759T>C, p.Asn9253= (NM_001256850.1); c.13282+28473T>C (NM_003319.4); c.13858+28473T>C (NM_133437.4); c.13657+28473T>C (NM_133432.3).
Identifiers: ClinVar variation 179614 (VCV000179614.15), dbSNP rs727504991, ClinGen allele CA184783.